The following is an entry in ClinVar:

ClinVar aggregate classification (germline): Uncertain significance. Review status: criteria provided, multiple submitters, no conflicts (2 of 4 stars). 3 submissions from 3 submitters: Uncertain significance (3). Last evaluated 2026-03-25.

Conditions:
Cardiovascular phenotype. Identifiers: MedGen CN230736.
Brugada syndrome. Also called: Sudden unexpected nocturnal death syndrome; Sudden unexplained nocturnal death syndrome; Sudden Unexplained Death Syndrome; Sudden Unexplained Nocturnal Death Syndrome (SUNDS). Identifiers: Orphanet 130, MedGen C1142166, MONDO:0015263.
SCN10A-related disorder. Also called: SCN10A-related condition.

Allele frequency attached by ClinVar (database versions not stated): gnomAD exomes below 0.00001; TOPMed below 0.00001; gnomAD 0.00001.
gnomAD v4.1: 4 of 1,609,248 alleles (0.00025%); highest among the groups gnomAD compares: African/African-American, 0.0013%; no homozygotes.

Submissions (3):

PreventionGenetics, part of Exact Sciences
Classification: Uncertain significance for SCN10A-related condition. Last evaluated: 2026-03-25. Review status: criteria provided, single submitter. Criteria: ACMG Guidelines, 2015. Collection method: clinical testing. Allele origin: germline.
Comment: The SCN10A c.400T>G variant is predicted to result in the amino acid substitution p.Leu134Val. To our knowledge, this variant has not been reported in the literature. This variant is reported in 0.00088% of alleles in individuals of European (non-Finnish) descent in gnomAD. At this time, the clinical significance of this variant is uncertain due to the absence of conclusive functional and genetic evidence.

Labcorp Genetics (formerly Invitae), Labcorp
Classification: Uncertain significance for Brugada syndrome. Last evaluated: 2025-12-08. Review status: criteria provided, single submitter. Criteria: Invitae Variant Classification Sherloc (09022015). Collection method: clinical testing. Allele origin: germline.
Comment: This sequence change replaces leucine, which is neutral and non-polar, with valine, which is neutral and non-polar, at codon 134 of the SCN10A protein (p.Leu134Val). This variant is present in population databases (no rsID available, gnomAD 0.0009%). This variant has not been reported in the literature in individuals affected with SCN10A-related conditions. ClinVar contains an entry for this variant (Variation ID: 2563727). Invitae Evidence Modeling of protein sequence and biophysical properties (such as structural, functional, and spatial information, amino acid conservation, physicochemical variation, residue mobility, and thermodynamic stability) indicates that this missense variant is not expected to disrupt SCN10A protein function with a negative predictive value of 80%. In summary, the available evidence is currently insufficient to determine the role of this variant in disease. Therefore, it has been classified as a Variant of Uncertain Significance.

Ambry Genetics
Classification: Uncertain significance for Cardiovascular phenotype. Last evaluated: 2025-12-04. Review status: criteria provided, single submitter. Criteria: Ambry Variant Classification Scheme 2023. Collection method: clinical testing. Allele origin: germline.
Comment: Does not currently meet published gene-disease clinical validity criteria Based on insufficient or conflicting evidence, the clinical significance of this alteration remains unclear.

Literature cited by the submitters: PubMed 28106320 (cited by Ambry Genetics).

NM_006514.4(SCN10A):c.400T>G (p.Leu134Val)

Gene: SCN10A (sodium voltage-gated channel alpha subunit 10; minus strand). Cytogenetic location: 3p22.2.
Variant type: single nucleotide variant.
Coding change: c.400T>G on transcript NM_006514.4 (MANE Select); coding-DNA position 400, T replaced by G.
Protein change: p.Leu134Val; replaces leucine 134 with valine.
Molecular consequence: missense variant.
Genome position (GRCh38, 1-based): chr3:38,789,026, A>C on the plus strand (T>G on the coding strand, the complement: SCN10A is on the minus strand). VCF-style: chr3-38789026-A-C. GRCh37 (hg19) VCF-style: chr3-38830517-A-C.
Other names: c.400T>G, p.Leu134Val (NM_001293306.2, NM_001293307.2); c.400T>G (NM_006514.3); short protein forms L134V.
Identifiers: ClinVar variation 2563727 (VCV002563727.6), dbSNP rs1168009514, ClinGen allele CA352159998.